The following is an entry in ClinVar:

ClinVar aggregate classification (germline): Uncertain significance (1 of 4 stars; one submission).

Conditions:
Hereditary cancer-predisposing syndrome. Also called: Neoplastic Syndromes, Hereditary; Tumor predisposition; Hereditary Cancer Syndrome; Hereditary neoplastic syndrome. Identifiers: Orphanet 140162, MedGen C0027672, MeSH D009386, MONDO:0015356.

Submission:

Ambry Genetics
Classification: Uncertain significance for Hereditary cancer-predisposing syndrome. Last evaluated: 2020-03-29. Review status: criteria provided, single submitter. Criteria: Ambry Variant Classification Scheme 2023. Collection method: clinical testing. Allele origin: germline.
Comment: The p.D1177E variant (also known as c.3531T>G), located in coding exon 23 of the RAD50 gene, results from a T to G substitution at nucleotide position 3531. The aspartic acid at codon 1177 is replaced by glutamic acid, an amino acid with highly similar properties. This amino acid position is well conserved in available vertebrate species. In addition, this alteration is predicted to be tolerated by in silico analysis. Since supporting evidence is limited at this time, the clinical significance of this alteration remains unclear.

NM_005732.4(RAD50):c.3531T>G (p.Asp1177Glu)

Genes: TH2LCRR (T helper type 2 locus control region associated RNA; minus strand), RAD50 (RAD50 double strand break repair protein; plus strand), TH2-LCR (Th2 cytokine locus control region; plus strand). Cytogenetic location: 5q31.1.
Variant type: single nucleotide variant.
Coding change: c.3531T>G on transcript NM_005732.4 (MANE Select); coding-DNA position 3531, T replaced by G.
Protein change: p.Asp1177Glu; replaces aspartic acid 1177 with glutamic acid.
Molecular consequence: missense variant. On other transcripts: non-coding transcript variant (2).
Genome position (GRCh38, 1-based): chr5:132,638,136, T>G. VCF-style: chr5-132638136-T-G. GRCh37 (hg19) VCF-style: chr5-131973828-T-G.
Other names: short protein forms D1177E.
Identifiers: ClinVar variation 1732374 (VCV001732374.2), dbSNP rs1415093880, ClinGen allele CA360931847.